The following is an entry in ClinVar:

NM_001195518.2(MICU1):c.537+9479G>A

Gene: MICU1 (mitochondrial calcium uptake 1; minus strand). Cytogenetic location: 10q22.1.
Variant type: single nucleotide variant.
Coding change: c.537+9479G>A on transcript NM_001195518.2 (MANE Select); 9479 bases into the intron after coding-DNA position 537, G replaced by A.
Molecular consequence: intron variant.
Genome position (GRCh38, 1-based): chr10:72,524,267, C>T on the plus strand (G>A on the coding strand, the complement: MICU1 is on the minus strand). VCF-style: chr10-72524267-C-T. GRCh37 (hg19) VCF-style: chr10-74284025-C-T.
Other names: c.537+9479G>A (NM_006077.4); c.549+468G>A (NM_001363513.2).
Identifiers: ClinVar variation 667496 (VCV000667496.1), dbSNP rs7897114, ClinGen allele CA13159812.

ClinVar aggregate classification (germline): Benign (1 of 4 stars; one submission).

Allele frequency attached by ClinVar (database versions not stated): 1000 Genomes Project 0.44129; 1000 Genomes Project 30x 0.45425; TOPMed 0.58823; gnomAD 0.58898 and 0.60124.
gnomAD v4.1: 89,497 of 151,862 alleles (59%); highest among the groups gnomAD compares: Non-Finnish European, 67%; 27,627 homozygotes.

Submission:

GeneDx
Classification: Benign. Last evaluated: 2018-06-14. Review status: criteria provided, single submitter. Criteria: GeneDx Variant Classification (06012015). Collection method: clinical testing. Allele origin: germline. Affected: yes.
Comment: This variant is considered likely benign or benign based on one or more of the following criteria: it is a conservative change, it occurs at a poorly conserved position in the protein, it is predicted to be benign by multiple in silico algorithms, and/or has population frequency not consistent with disease.